The following is an entry in ClinVar:

ClinVar aggregate classification (germline): Uncertain significance. Review status: criteria provided, multiple submitters, no conflicts (2 of 4 stars). 2 submissions from 2 submitters: Uncertain significance (2). Last evaluated 2019-10-14.

Conditions:
Long QT syndrome (LQTS). Identifiers: MedGen C0023976, MeSH D008133, MONDO:0002442. Disease mechanism: loss of function. Inheritance: Various modes of inheritance.

Submissions (3):

Labcorp Genetics (formerly Invitae), Labcorp
Classification: Uncertain significance for Long QT syndrome. Last evaluated: 2019-10-14. Review status: criteria provided, single submitter. Criteria: Invitae Variant Classification Sherloc (09022015). Collection method: clinical testing. Allele origin: germline.
Comment: This sequence change replaces arginine with glycine at codon 98 of the KCNE1 protein (p.Arg98Gly). The arginine residue is highly conserved and there is a moderate physicochemical difference between arginine and glycine. This variant is not present in population databases (ExAC no frequency). This variant has not been reported in the literature in individuals with KCNE1-related conditions. ClinVar contains an entry for this variant (Variation ID: 228763). Algorithms developed to predict the effect of missense changes on protein structure and function are either unavailable or do not agree on the potential impact of this missense change (SIFT: "Deleterious"; PolyPhen-2: "Probably Damaging"; Align-GVGD: "Class C0"). In summary, the available evidence is currently insufficient to determine the role of this variant in disease. Therefore, it has been classified as a Variant of Uncertain Significance.

Laboratory for Molecular Medicine, Mass General Brigham Personalized Medicine
Classification: Uncertain significance. Last evaluated: 2015-06-22. Review status: criteria provided, single submitter. Criteria: LMM Criteria. Collection method: clinical testing. Allele origin: germline. Observed: 1 variant allele.
Comment: The p.Arg98Gly variant in KCNE1 has not been previously reported in individuals with hearing loss, Jervell and Lange-Nielsen syndrome, or long QT syndrome. This variant was absent from large population studies. A different variant at the sa me amino acid position (p.Arg98Trp) has been associated with long QT syndrome su ggesting that variants at this position may not be tolerated. However, this asso ciation requires additional data to assume pathogenicity for the p.Arg98Trp vari ant, and the impact of the two amino acid changes at the same position may be di fferent. Computational prediction tools and conservation analysis for the p.Arg9 8Gly variant do not provide strong support for or against an impact to the prote in. In summary, the clinical significance of the p.Arg98Gly variant is uncertain .

Roden Lab, Vanderbilt University Medical Center
No classification provided (evidence only). Condition: Long QT syndrome 5. Review status: no classification provided. Collection method: in vitro. Allele origin: not applicable. Functional consequence: Effect on ion channel function. Not counted in ClinVar's aggregate classification.
ClinVar note: "not provided" was previously submitted as the classification for the variant. However, the classification appeared to be based only on an observation of functional data so it was converted to no classification on 2025-07-30.

NM_000219.6(KCNE1):c.292C>G (p.Arg98Gly)

Gene: KCNE1 (potassium voltage-gated channel subfamily E regulatory subunit 1; minus strand). Cytogenetic location: 21q22.12.
Variant type: single nucleotide variant.
Coding change: c.292C>G on transcript NM_000219.6 (MANE Select); coding-DNA position 292, C replaced by G.
Protein change: p.Arg98Gly; replaces arginine 98 with glycine.
Molecular consequence: missense variant.
Genome position (GRCh38, 1-based): chr21:34,449,343, G>C on the plus strand (C>G on the coding strand, the complement: KCNE1 is on the minus strand). VCF-style: chr21-34449343-G-C. GRCh37 (hg19) VCF-style: chr21-35821641-G-C.
Other names: c.292C>G, p.Arg98Gly (NM_001127668.4, NM_001127669.4, NM_001127670.4 and 4 more transcripts); short protein forms R98G.
Identifiers: ClinVar variation 228763 (VCV000228763.7), dbSNP rs199473362, ClinGen allele CA10577127.